The following is an entry in ClinVar:

ClinVar aggregate classification (germline): Uncertain significance. Review status: criteria provided, multiple submitters, no conflicts (2 of 4 stars). 8 submissions from 6 submitters: Uncertain significance (8). Last evaluated 2024-07-12.

Conditions:
Age related macular degeneration 5. Identifiers: MedGen C3151063, MONDO:0013409, OMIM 613761.
Cockayne syndrome type 2 (CSB). Also called: COCKAYNE SYNDROME B; Cockayne Syndrome, Type II. Identifiers: Orphanet 191, Orphanet 90322, MedGen C0751038, MONDO:0019570, OMIM 133540.
Cerebrooculofacioskeletal syndrome 1 (COFS1). Also called: Cerebro-oculo-facio-skeletal syndrome 1. Identifiers: MedGen C0220722, MONDO:0008955, OMIM 214150.

Allele frequency attached by ClinVar (database versions not stated): gnomAD exomes 0.00010; TOPMed 0.00012; gnomAD 0.00013 and 0.00014; ExAC 0.00014; ESP Exome Variant Server 0.00015; 1000 Genomes Project 30x 0.00016; 1000 Genomes Project 0.00020.
gnomAD v4.1: 164 of 1,614,198 alleles (0.01%); highest among the groups gnomAD compares: Non-Finnish European, 0.013%; no homozygotes.

Submissions (8):

Blueprint Genetics
Classification: Uncertain significance. Last evaluated: 2024-07-12. Review status: criteria provided, single submitter. Criteria: ACMG Guidelines, 2015. Collection method: clinical testing. Allele origin: germline.

Labcorp Genetics (formerly Invitae), Labcorp
Classification: Uncertain significance. Last evaluated: 2022-10-04. Review status: criteria provided, single submitter. Criteria: Invitae Variant Classification Sherloc (09022015). Collection method: clinical testing. Allele origin: germline.
Comment: This sequence change replaces glutamic acid, which is acidic and polar, with lysine, which is basic and polar, at codon 1406 of the ERCC6 protein (p.Glu1406Lys). This variant is present in population databases (rs145622432, gnomAD 0.02%). This variant has not been reported in the literature in individuals affected with ERCC6-related conditions. ClinVar contains an entry for this variant (Variation ID: 877330). Algorithms developed to predict the effect of missense changes on protein structure and function are either unavailable or do not agree on the potential impact of this missense change (SIFT: "Deleterious"; PolyPhen-2: "Benign"; Align-GVGD: "Class C55"). In summary, the available evidence is currently insufficient to determine the role of this variant in disease. Therefore, it has been classified as a Variant of Uncertain Significance.

GeneDx
Classification: Uncertain significance. Last evaluated: 2021-12-21. Review status: criteria provided, single submitter. Criteria: GeneDx Variant Classification Process June 2021. Collection method: clinical testing. Allele origin: germline. Affected: yes.
Comment: In silico analysis supports that this missense variant does not alter protein structure/function; Has not been previously published as pathogenic or benign to our knowledge

CeGaT Center for Human Genetics Tuebingen
Classification: Uncertain significance. Last evaluated: 2020-11-01. Review status: criteria provided, single submitter. Criteria: CeGaT Center For Human Genetics Tuebingen Variant Classification Criteria Version 2. Collection method: clinical testing. Allele origin: germline. Affected: yes. Observed: 1 variant allele.

Mayo Clinic Laboratories, Mayo Clinic
Classification: Uncertain significance. Last evaluated: 2020-10-20. Review status: criteria provided, single submitter. Criteria: ACMG Guidelines, 2015. Collection method: clinical testing. Allele origin: germline. Observed: 1 variant allele.

Illumina Laboratory Services, Illumina
Classification: Uncertain significance for Age related macular degeneration 5. Last evaluated: 2018-01-12. Review status: criteria provided, single submitter. Criteria: ICSL Variant Classification Criteria 13 December 2019. Collection method: clinical testing. Allele origin: germline.

Illumina Laboratory Services, Illumina
Classification: Uncertain significance for Cockayne syndrome type 2. Last evaluated: 2018-01-12. Review status: criteria provided, single submitter. Criteria: ICSL Variant Classification Criteria 13 December 2019. Collection method: clinical testing. Allele origin: germline.

Illumina Laboratory Services, Illumina
Classification: Uncertain significance for Cerebrooculofacioskeletal syndrome 1. Last evaluated: 2018-01-12. Review status: criteria provided, single submitter. Criteria: ICSL Variant Classification Criteria 13 December 2019. Collection method: clinical testing. Allele origin: germline.

NM_000124.4(ERCC6):c.4216G>A (p.Glu1406Lys)

Gene: ERCC6 (ERCC excision repair 6, chromatin remodeling factor; minus strand). Cytogenetic location: 10q11.23.
Variant type: single nucleotide variant.
Coding change: c.4216G>A on transcript NM_000124.4 (MANE Select); coding-DNA position 4216, G replaced by A.
Protein change: p.Glu1406Lys; replaces glutamic acid 1406 with lysine.
Molecular consequence: missense variant.
Genome position (GRCh38, 1-based): chr10:49,459,081, C>T on the plus strand (G>A on the coding strand, the complement: ERCC6 is on the minus strand). VCF-style: chr10-49459081-C-T. GRCh37 (hg19) VCF-style: chr10-50667127-C-T.
Other names: c.4216G>A, p.Glu1406Lys (NM_001346440.2); short protein forms E1406K.
Identifiers: ClinVar variation 877330 (VCV000877330.50), dbSNP rs145622432, ClinGen allele CA5495153.